The following is an entry in ClinVar:

NM_178335.3(CCDC50):c.679C>T (p.Arg227Trp)

Gene: CCDC50 (coiled-coil domain containing 50; plus strand). Cytogenetic location: 3q28.
Variant type: single nucleotide variant.
Coding change: c.679C>T on transcript NM_178335.3 (MANE Select); coding-DNA position 679, C replaced by T.
Protein change: p.Arg227Trp; replaces arginine 227 with tryptophan.
Molecular consequence: missense variant. On other transcripts: intron variant (1).
Genome position (GRCh38, 1-based): chr3:191,375,292, C>T. VCF-style: chr3-191375292-C-T. GRCh37 (hg19) VCF-style: chr3-191093081-C-T.
Other names: c.449-4867C>T (NM_174908.4); c.679C>T (NM_178335.2); short protein forms R227W.
Identifiers: ClinVar variation 1185117 (VCV001185117.22), dbSNP rs1032719052, ClinGen allele CA89778671.

ClinVar aggregate classification (germline): Uncertain significance. Review status: criteria provided, multiple submitters, no conflicts (2 of 4 stars). 4 submissions from 4 submitters: Uncertain significance (3). 1 of the submissions does not count toward it. Last evaluated 2026-07-02.

Conditions:
CCDC50-related disorder. Also called: CCDC50-related condition.
Autosomal dominant nonsyndromic hearing loss 44. Identifiers: Orphanet 90635, MedGen C1843895, MONDO:0011832, OMIM 607453.

Allele frequency attached by ClinVar (database versions not stated): gnomAD exomes 0.00001 and 0.00002; gnomAD 0.00002; TOPMed 0.00009.

Submissions (4):

PreventionGenetics, part of Exact Sciences
Classification: Uncertain significance for CCDC50-related condition. Last evaluated: 2026-07-02. Review status: criteria provided, single submitter. Criteria: ACMG Guidelines, 2015. Collection method: clinical testing. Allele origin: germline.
Comment: The CCDC50 c.679C>T variant is predicted to result in the amino acid substitution p.Arg227Trp. This variant was reported in heterozygous state in an individual with hearing loss and assessed as variant of uncertain significance (Table S3, Guan et al. 2021. PubMed ID: 34416374). This variant is reported in 0.0080% of alleles in individuals of African descent in gnomAD. At this time, the clinical significance of this variant is uncertain due to the absence of conclusive functional and genetic evidence.

CeGaT Center for Human Genetics Tuebingen
Classification: Uncertain significance. Last evaluated: 2024-05-01. Review status: criteria provided, single submitter. Criteria: CeGaT Center For Human Genetics Tuebingen Variant Classification Criteria Version 2. Collection method: clinical testing. Allele origin: germline. Affected: yes. Observed: 1 variant allele.
Comment: CCDC50: PM2, PM6:Supporting, BP4

GeneDx
Classification: Uncertain significance. Last evaluated: 2022-05-26. Review status: criteria provided, single submitter. Criteria: GeneDx Variant Classification Process June 2021. Collection method: clinical testing. Allele origin: germline. Affected: yes.
Comment: In silico analysis supports that this missense variant does not alter protein structure/function; Has not been previously published as pathogenic or benign to our knowledge

WangQJ Lab, Chinese People's Liberation Army General Hospital
Classification: Uncertain significance for Autosomal dominant nonsyndromic hearing loss 44. Last evaluated: 2021-07-01. Review status: no assertion criteria provided. Collection method: clinical testing. Allele origin: de novo. Not counted in ClinVar's aggregate classification.